The following is an entry in ClinVar:

ClinVar aggregate classification (germline): Likely pathogenic (1 of 4 stars; one submission).

Conditions:
Usher syndrome type 1D (USH1D). Also called: USHER SYNDROME, TYPE ID. Identifiers: Orphanet 231169, Orphanet 886, MedGen C1832845, MONDO:0010984, OMIM 601067.

Submission:

Myriad Genetics, Inc.
Classification: Likely pathogenic for Usher syndrome type 1D. Last evaluated: 2021-12-30. Review status: criteria provided, single submitter. Criteria: Myriad Women's Health Autosomal Recessive and X-Linked Classification Criteria (2021). Collection method: clinical testing. Allele origin: unknown.
Comment: NM_033056.3(PCDH15):c.3462_3463delTG(E1155Rfs*15) is expected to be pathogenic in the context of PCDH15-related disorders. This variant is predicted to lead to an abnormal or absent protein product due to the creation of a premature termination codon in PCDH15, a gene where loss-of-function variants are known to be pathogenic. Please note: this variant was assessed in the context of healthy population screening.

NM_001384140.1(PCDH15):c.3462_3463del (p.Glu1155fs)

Gene: PCDH15 (protocadherin related 15; minus strand). Cytogenetic location: 10q21.1.
Variant type: Deletion.
Coding change: c.3462_3463del on transcript NM_001384140.1 (MANE Select); coding-DNA positions 3462 to 3463, 2 bases deleted (TG; older notation c.3462_3463delTG).
Protein change: p.Glu1155fs; shifts the reading frame from glutamic acid 1155.
Molecular consequence: frameshift variant.
Genome position (GRCh38, 1-based): chr10:53,903,281-53,903,282, CA deleted on the plus strand (TG on the coding strand, the reverse complement: PCDH15 is on the minus strand). VCF-style (leftmost placement, unchanged base first): chr10-53903280-TCA-T. GRCh37 (hg19) VCF-style: chr10-55663040-TCA-T.
Other names: c.3477_3478del, p.Glu1160fs (NM_001142763.2, NM_001142771.2); c.3462_3463del, p.Glu1155fs (NM_001142764.2, NM_001142766.2, NM_001142770.3 and 4 more transcripts); c.3249_3250del, p.Glu1084fs (NM_001142765.2); c.3351_3352del, p.Glu1118fs (NM_001142767.2); c.3396_3397del, p.Glu1133fs (NM_001142768.2, NM_001142773.2, NM_001354404.2); c.3498_3499delTG, p.Glu1167Argfs (NM_001142769.4); c.3483_3484del, p.Glu1162fs (NM_001354411.2); short protein forms E1084fs, E1118fs, E1133fs, E1155fs, E1160fs, E1162fs, E1167fs.
Identifiers: ClinVar variation 1726676 (VCV001726676.2), dbSNP rs2493950607, ClinGen allele CA2580081844.